The following is an entry in ClinVar:

ClinVar aggregate classification (germline): Benign (1 of 4 stars; one submission).

Conditions:
Juvenile polyposis syndrome (JPS). Identifiers: Orphanet 2929, MedGen C0345893, MONDO:0017380, OMIM 174900.

Submission:

Myriad Genetics, Inc.
Classification: Benign for Juvenile polyposis syndrome. Last evaluated: 2024-07-31. Review status: criteria provided, single submitter. Criteria: Myriad Autosomal Dominant, Autosomal Recessive and X-Linked Classification Criteria (2023). Collection method: clinical testing. Allele origin: unknown.
Comment: This variant is considered benign. This variant is intronic and is not expected to impact mRNA splicing.

NM_004329.3(BMPR1A):c.231-33TGTTT[2]

Gene: BMPR1A (bone morphogenetic protein receptor type 1A; plus strand). Cytogenetic location: 10q23.2.
Variant type: Microsatellite.
Coding change: c.231-33TGTTT[2] on transcript NM_004329.3 (MANE Select); two copies in a row of the 5-base unit TGTTT starting at c.231-33.
Molecular consequence: intron variant.
Genome position: GRCh38 VCF-style: chr10-86892093-ATGTTTTGTTT-A. GRCh37 (hg19) VCF-style: chr10-88651850-ATGTTTTGTTT-A.
Other names: c.231-33TGTTT[2] (NM_001406562.1, NM_001406568.1, NM_001406565.1 and 23 more transcripts); c.147-33TGTTT[2] (NM_001406586.1, NM_001406584.1, NM_001406588.1 and 2 more transcripts).
Identifiers: ClinVar variation 3378883 (VCV003378883.1).